The following is an entry in ClinVar:

NM_001384140.1(PCDH15):c.3877C>T (p.Arg1293Trp)

Gene: PCDH15 (protocadherin related 15; minus strand). Cytogenetic location: 10q21.1.
Variant type: single nucleotide variant.
Coding change: c.3877C>T on transcript NM_001384140.1 (MANE Select); coding-DNA position 3877, C replaced by T.
Protein change: p.Arg1293Trp; replaces arginine 1293 with tryptophan.
Molecular consequence: missense variant.
Genome position (GRCh38, 1-based): chr10:53,840,426, G>A on the plus strand (C>T on the coding strand, the complement: PCDH15 is on the minus strand). VCF-style: chr10-53840426-G-A. GRCh37 (hg19) VCF-style: chr10-55600186-G-A.
Other names: c.3892C>T, p.Arg1298Trp (NM_001142763.2, NM_001142771.2); c.3877C>T, p.Arg1293Trp (NM_001142764.2, NM_001142766.2, NM_001142770.3 and 4 more transcripts); c.3664C>T, p.Arg1222Trp (NM_001142765.2); c.3766C>T, p.Arg1256Trp (NM_001142767.2); c.3811C>T, p.Arg1271Trp (NM_001142768.2, NM_001142773.2, NM_001354404.2); c.3913C>T, p.Arg1305Trp (NM_001142769.4); c.3898C>T, p.Arg1300Trp (NM_001354411.2); short protein forms R1222W, R1256W, R1271W, R1298W, R1293W, R1300W, R1305W.
Identifiers: ClinVar variation 1981354 (VCV001981354.4), dbSNP rs142034111, ClinGen allele CA5505520.
Genomic context (GRCh38, chr10:53,840,426, plus strand): 5'-TTGCATAGACAGTCAAGTCACATTTGGTGTAATCTTCTAGGGAAAAGGCATCTCCATGCC[G>A]GCGAGCTCCAATGGACTCCACTACGACCTTGGCACCAGGAATTTGTTCCTGAACATAGCG-3'
Protein context (NP_001371069.1, residues 1283-1303): KVVVESIGAR[Arg1293Trp]HGDAFSLEDY

ClinVar aggregate classification (germline): Uncertain significance. Review status: criteria provided, multiple submitters, no conflicts (2 of 4 stars). 3 submissions from 3 submitters: Uncertain significance (3). Last evaluated 2025-09-05.

gnomAD v4.1: 43 of 1,613,760 alleles (0.0027%); highest among the groups gnomAD compares: Admixed American, 0.01%; no homozygotes.

Submissions (3):

Women's Health and Genetics/Laboratory Corporation of America, LabCorp
Classification: Uncertain significance. Last evaluated: 2025-09-05. Review status: criteria provided, single submitter. Criteria: LabCorp Variant Classification Summary - May 2015. Collection method: clinical testing. Allele origin: germline.
Comment: Variant summary: PCDH15 c.3877C>T (p.Arg1293Trp) results in a non-conservative amino acid change in the encoded protein sequence. Algorithms developed to predict the effect of missense changes on protein structure and function are either unavailable or do not agree on the potential impact of this missense change. The variant allele was found at a frequency of 1.6e-05 in 251438 control chromosomes. The available data on variant occurrences in the general population are insufficient to allow any conclusion about variant significance. c.3877C>T has been observed in the compound heterozygous state in at least 1 individual(s) affected with nonsyndromic deafness (example, Peart_2023, Yan_2025). These data do not allow any conclusion about variant significance. To our knowledge, no experimental evidence demonstrating an impact on protein function has been reported. The following publications have been ascertained in the context of this evaluation (PMID: 37996878, 22722201, 39182490). ClinVar contains an entry for this variant (Variation ID: 1981354). Based on the evidence outlined above, the variant was classified as uncertain significance.

Labcorp Genetics (formerly Invitae), Labcorp
Classification: Uncertain significance. Last evaluated: 2023-11-27. Review status: criteria provided, single submitter. Criteria: Invitae Variant Classification Sherloc (09022015). Collection method: clinical testing. Allele origin: germline.
Comment: This sequence change replaces arginine, which is basic and polar, with tryptophan, which is neutral and slightly polar, at codon 1293 of the PCDH15 protein (p.Arg1293Trp). This variant is present in population databases (rs142034111, gnomAD 0.009%). This variant has not been reported in the literature in individuals affected with PCDH15-related conditions. ClinVar contains an entry for this variant (Variation ID: 1981354). Advanced modeling of protein sequence and biophysical properties (such as structural, functional, and spatial information, amino acid conservation, physicochemical variation, residue mobility, and thermodynamic stability) performed at Invitae indicates that this missense variant is expected to disrupt PCDH15 protein function with a positive predictive value of 80%. In summary, the available evidence is currently insufficient to determine the role of this variant in disease. Therefore, it has been classified as a Variant of Uncertain Significance.

Blueprint Genetics
Classification: Uncertain significance. Last evaluated: 2017-10-20. Review status: criteria provided, single submitter. Criteria: ACMG Guidelines, 2015. Collection method: clinical testing. Allele origin: germline.

Literature cited by the submitters: PubMed 22722201 (cited by Women's Health and Genetics/Laboratory Corporation of America, LabCorp); PubMed 37996878 (cited by Women's Health and Genetics/Laboratory Corporation of America, LabCorp); PubMed 39182490 (cited by Women's Health and Genetics/Laboratory Corporation of America, LabCorp).